The following is an entry in ClinVar:

ClinVar aggregate classification (germline): Uncertain significance (1 of 4 stars; one submission).

Conditions:
PIEZO1-related disorder. Also called: PIEZO1-Related Disorders; PIEZO1-related condition.

Allele frequency attached by ClinVar (database versions not stated): TOPMed 0.00001; gnomAD 0.00002; ExAC 0.00013.
gnomAD v4.1: 29 of 1,549,752 alleles (0.0019%); highest among the groups gnomAD compares: Middle Eastern, 0.033%; no homozygotes.

Submission:

PreventionGenetics, part of Exact Sciences
Classification: Uncertain significance for PIEZO1-related condition. Last evaluated: 2023-05-16. Review status: criteria provided, single submitter. Criteria: ACMG Guidelines, 2015. Collection method: clinical testing. Allele origin: germline.
Comment: The PIEZO1 c.2410G>A variant is predicted to result in the amino acid substitution p.Val804Met. To our knowledge, this variant has not been reported in the literature. This variant is reported in 0.013% of alleles in individuals of South Asian descent in gnomAD. At this time, the clinical significance of this variant is uncertain due to the absence of conclusive functional and genetic evidence.

NM_001142864.4(PIEZO1):c.2410G>A (p.Val804Met)

Genes: HSALR1 (HSP90AB1 associated lncRNA 1; plus strand), PIEZO1 (piezo type mechanosensitive ion channel component 1 (Er blood group); minus strand). Cytogenetic location: 16q24.3.
Variant type: single nucleotide variant.
Coding change: c.2410G>A on transcript NM_001142864.4 (MANE Select); coding-DNA position 2410, G replaced by A.
Protein change: p.Val804Met; replaces valine 804 with methionine.
Molecular consequence: missense variant.
Genome position (GRCh38, 1-based): chr16:88,733,665, C>T on the plus strand (G>A on the coding strand, the complement: PIEZO1 is on the minus strand). VCF-style: chr16-88733665-C-T. GRCh37 (hg19) VCF-style: chr16-88800073-C-T.
Other names: c.952G>A, p.Val318Met (NM_014745.1); short protein forms V318M, V804M.
Identifiers: ClinVar variation 2628973 (VCV002628973.1), dbSNP rs750634854, ClinGen allele CA8232783.
Genomic context (GRCh38, chr16:88,733,665, plus strand): 5'-AGACGGTGTACAGGGCCACCAGCTTGAAAACGTGAAGCTCCAGCAGCCGCCGCAGGAACA[C>T]CTGCACGCGTGAGAGGACGTCCGAGAAGCCGGCTGCCAGCTCCAGCAGCCGCTCAGCCAC-3'
Protein context (NP_001136336.2, residues 794-814): GFSDVLSRVQ[Val804Met]FLRRLLELHV